The following is an entry in ClinVar:

ClinVar aggregate classification (germline): Uncertain significance (1 of 4 stars; one submission).

Conditions:
TH-deficient dopa-responsive dystonia. Also called: Tyrosine Hydroxylase-Deficient Dopa-Responsive Dystonia; Segawa syndrome, autosomal recessive; DYT-TH. Identifiers: Orphanet 101150, MedGen C2673535, MONDO:0011551, OMIM 605407.

Allele frequency attached by ClinVar (database versions not stated): gnomAD exomes below 0.00001.
gnomAD v4.1: 5 of 1,589,048 alleles (0.00031%); highest among the groups gnomAD compares: Middle Eastern, 0.033%; no homozygotes.

Submission:

Labcorp Genetics (formerly Invitae), Labcorp
Classification: Uncertain significance for TH-deficient dopa-responsive dystonia. Last evaluated: 2022-08-23. Review status: criteria provided, single submitter. Criteria: Invitae Variant Classification Sherloc (09022015). Collection method: clinical testing. Allele origin: germline.
Comment: This sequence change replaces tyrosine, which is neutral and polar, with histidine, which is basic and polar, at codon 274 of the TH protein (p.Tyr274His). This variant is not present in population databases (gnomAD no frequency). This variant has not been reported in the literature in individuals affected with TH-related conditions. ClinVar contains an entry for this variant (Variation ID: 1516799). Algorithms developed to predict the effect of missense changes on protein structure and function (SIFT, PolyPhen-2, Align-GVGD) all suggest that this variant is likely to be disruptive. In summary, the available evidence is currently insufficient to determine the role of this variant in disease. Therefore, it has been classified as a Variant of Uncertain Significance.

NM_000360.4(TH):c.727T>C (p.Tyr243His)

Gene: TH (tyrosine hydroxylase; minus strand). Cytogenetic location: 11p15.5.
Variant type: single nucleotide variant.
Coding change: c.727T>C on transcript NM_000360.4 (MANE Select); coding-DNA position 727, T replaced by C.
Protein change: p.Tyr243His; replaces tyrosine 243 with histidine.
Molecular consequence: missense variant.
Genome position (GRCh38, 1-based): chr11:2,167,001, A>G on the plus strand (T>C on the coding strand, the complement: TH is on the minus strand). VCF-style: chr11-2167001-A-G. GRCh37 (hg19) VCF-style: chr11-2188231-A-G.
Other names: c.820T>C, p.Tyr274His (NM_199292.3); c.808T>C, p.Tyr270His (NM_199293.3); short protein forms Y270H, Y274H, Y243H.
Identifiers: ClinVar variation 1516799 (VCV001516799.5), dbSNP rs1196330512, ClinGen allele CA379127025.